The following is an entry in ClinVar:

NM_152564.5(VPS13B):c.4889T>C (p.Val1630Ala)

Gene: VPS13B (vacuolar protein sorting 13 homolog B; plus strand). Cytogenetic location: 8q22.2.
Variant type: single nucleotide variant.
Coding change: c.4889T>C on transcript NM_152564.5 (MANE Select); coding-DNA position 4889, T replaced by C.
Protein change: p.Val1630Ala; replaces valine 1630 with alanine.
Molecular consequence: missense variant.
Genome position (GRCh38, 1-based): chr8:99,556,593, T>C. VCF-style: chr8-99556593-T-C. GRCh37 (hg19) VCF-style: chr8-100568821-T-C.
Other names: c.4964T>C (NM_017890.3); c.4964T>C, p.Val1655Ala (NM_017890.5); short protein forms V1630A, V1655A.
Identifiers: ClinVar variation 1380228 (VCV001380228.5), dbSNP rs769608908, ClinGen allele CA4823675.
Genomic context (GRCh38, chr8:99,556,593, plus strand): 5'-ATATTGGTACTGCACAGTGGCATCAACTAAAACCAGAGAAGGAAAGTGTCTCAGGAGGGG[T>C]GGTAACAGAGACTGAAAGGAATTCTCAAAATCCAGCCCTTGAGTGGAATATGGCCAGCAG-3'
Protein context (NP_689777.3, residues 1620-1640): KPEKESVSGG[Val1630Ala]VTETERNSQN

ClinVar aggregate classification (germline): Uncertain significance. Review status: criteria provided, multiple submitters, no conflicts (2 of 4 stars). 2 submissions from 2 submitters: Uncertain significance (2). Last evaluated 2024-12-31.

Conditions:
Inborn genetic diseases. Identifiers: MedGen C0950123, MeSH D030342.
Cohen syndrome (COH1). Also called: Cutis verticis gyrata, retinitis pigmentosa, and sensorineural deafness; PEPPER SYNDROME. Identifiers: Orphanet 193, MedGen C0265223, MONDO:0008999, OMIM 216550.

Allele frequency attached by ClinVar (database versions not stated): ExAC 0.00001; gnomAD 0.00001; TOPMed 0.00001.
gnomAD v4.1: 9 of 1,612,748 alleles (0.00056%); highest among the groups gnomAD compares: Non-Finnish European, 0.00076%; no homozygotes.

Submissions (2):

Labcorp Genetics (formerly Invitae), Labcorp
Classification: Uncertain significance for Cohen syndrome. Last evaluated: 2024-12-31. Review status: criteria provided, single submitter. Criteria: Invitae Variant Classification Sherloc (09022015). Collection method: clinical testing. Allele origin: germline.
Comment: This sequence change replaces valine, which is neutral and non-polar, with alanine, which is neutral and non-polar, at codon 1655 of the VPS13B protein (p.Val1655Ala). This variant is present in population databases (rs769608908, gnomAD 0.0009%). This variant has not been reported in the literature in individuals affected with VPS13B-related conditions. ClinVar contains an entry for this variant (Variation ID: 1380228). Invitae Evidence Modeling of protein sequence and biophysical properties (such as structural, functional, and spatial information, amino acid conservation, physicochemical variation, residue mobility, and thermodynamic stability) indicates that this missense variant is not expected to disrupt VPS13B protein function with a negative predictive value of 80%. In summary, the available evidence is currently insufficient to determine the role of this variant in disease. Therefore, it has been classified as a Variant of Uncertain Significance.

Ambry Genetics
Classification: Uncertain significance for Inborn genetic diseases. Last evaluated: 2024-05-20. Review status: criteria provided, single submitter. Criteria: Ambry Variant Classification Scheme 2023. Collection method: clinical testing. Allele origin: germline.